The following is an entry in ClinVar:

NM_012293.3(PXDN):c.3165C>T (p.Pro1055=)

Gene: PXDN (peroxidasin; minus strand). Cytogenetic location: 2p25.3.
Variant type: single nucleotide variant.
Coding change: c.3165C>T on transcript NM_012293.3 (MANE Select); coding-DNA position 3165, C replaced by T.
Protein change: p.Pro1055=; no amino-acid change (proline 1055 retained).
Molecular consequence: synonymous variant.
Genome position (GRCh38, 1-based): chr2:1,648,615, G>A on the plus strand (C>T on the coding strand, the complement: PXDN is on the minus strand). VCF-style: chr2-1648615-G-A. GRCh37 (hg19) VCF-style: chr2-1652387-G-A.
Identifiers: ClinVar variation 772146 (VCV000772146.18), dbSNP rs75454260, ClinGen allele CA1512802.

ClinVar aggregate classification (germline): Benign/Likely benign. Review status: criteria provided, multiple submitters, no conflicts (2 of 4 stars). 7 submissions from 7 submitters: Benign (1); Likely benign (3). 3 of the submissions do not count toward it. Last evaluated 2024-12-22.

Conditions:
PXDN-related disorder. Also called: PXDN-related condition.
Anterior segment dysgenesis 7 (ASGD7). Also called: Anterior segment dysgenesis 7, with sclerocornea; SCLEROCORNEA WITH OTHER OCULAR ANOMALIES. Identifiers: Orphanet 289499, MedGen C3151617, MONDO:0010015, OMIM 269400.

Allele frequency attached by ClinVar (database versions not stated): ESP Exome Variant Server 0.00015; gnomAD 0.00046 and 0.00062; TOPMed 0.00061; ExAC 0.00137; 1000 Genomes Project 30x 0.00250; 1000 Genomes Project 0.00300.
gnomAD v4.1: 889 of 1,612,856 alleles (0.055%); highest among the groups gnomAD compares: East Asian, 1.5%; 6 homozygotes.

Submissions (7):

Labcorp Genetics (formerly Invitae), Labcorp
Classification: Benign for Anterior segment dysgenesis 7. Last evaluated: 2024-12-22. Review status: criteria provided, single submitter. Criteria: Invitae Variant Classification Sherloc (09022015). Collection method: clinical testing. Allele origin: germline.

Blueprint Genetics
Classification: Likely benign. Last evaluated: 2024-10-15. Review status: criteria provided, single submitter. Criteria: ACMG Guidelines, 2015. Collection method: clinical testing. Allele origin: germline.

GeneDx
Classification: Likely benign. Last evaluated: 2019-05-20. Review status: criteria provided, single submitter. Criteria: GeneDx Variant Classification Process June 2021. Collection method: clinical testing. Allele origin: germline. Affected: yes.

Breakthrough Genomics
Classification: Likely benign. Review status: criteria provided, single submitter. Criteria: ACMG Guidelines, 2015. Collection method: not provided. Allele origin: germline. Inheritance: Autosomal recessive inheritance. Affected: yes.

PreventionGenetics, part of Exact Sciences
Classification: Benign for PXDN-related condition. Last evaluated: 2019-10-28. Review status: no assertion criteria provided. Collection method: clinical testing. Allele origin: germline. Not counted in ClinVar's aggregate classification.
Comment: This variant is classified as benign based on ACMG/AMP sequence variant interpretation guidelines (Richards et al. 2015 PMID: 25741868, with internal and published modifications).

Clinical Genetics DNA and cytogenetics Diagnostics Lab, Erasmus MC, Erasmus Medical Center
Classification: Benign. Review status: no assertion criteria provided. Collection method: clinical testing. Allele origin: germline. Affected: yes. Study: VKGL Data-share Consensus. Not counted in ClinVar's aggregate classification.

Clinical Genetics, Academic Medical Center
Classification: Benign. Review status: no assertion criteria provided. Collection method: clinical testing. Allele origin: germline. Affected: yes. Study: VKGL Data-share Consensus. Not counted in ClinVar's aggregate classification.